The following is an entry in ClinVar:

NM_016239.4(MYO15A):c.5036G>A (p.Cys1679Tyr)

Gene: MYO15A (myosin XVA; plus strand). Cytogenetic location: 17p11.2.
Variant type: single nucleotide variant.
Coding change: c.5036G>A on transcript NM_016239.4 (MANE Select); coding-DNA position 5036, G replaced by A.
Protein change: p.Cys1679Tyr; replaces cysteine 1679 with tyrosine.
Molecular consequence: missense variant.
Genome position (GRCh38, 1-based): chr17:18,138,839, G>A. VCF-style: chr17-18138839-G-A. GRCh37 (hg19) VCF-style: chr17-18042153-G-A.
Other names: short protein forms C1679Y.
Identifiers: ClinVar variation 1301932 (VCV001301932.2), dbSNP rs2142328201, ClinGen allele CA398598092.

ClinVar aggregate classification (germline): Conflicting classifications of pathogenicity. Review status: criteria provided, conflicting classifications (1 of 4 stars). 2 submissions from 2 submitters: Likely pathogenic (1); Uncertain significance (1). Last evaluated 2025-01-09.

Conditions:
Autosomal recessive nonsyndromic hearing loss 3. Also called: NEUROSENSORY NONSYNDROMIC RECESSIVE DEAFNESS 3. Identifiers: Orphanet 90636, MedGen C1838263, MONDO:0010860, OMIM 600316.

Submissions (2):

Institute of Rare Diseases, West China Hospital, Sichuan University
Classification: Likely pathogenic for Autosomal recessive nonsyndromic hearing loss 3. Last evaluated: 2025-01-09. Review status: criteria provided, single submitter. Criteria: ClinGen HL ACMG Specifications v1. Collection method: research. Allele origin: germline. Affected: yes.
Comment: PM3_Strong;PM2_Supporting;PP3

Molecular Diagnosis Center for Deafness
Classification: Uncertain significance for Autosomal recessive nonsyndromic hearing loss 3. Review status: criteria provided, single submitter. Criteria: ClinGen HL ACMG Specifications v1. Collection method: clinical testing. Allele origin: paternal. Observed: 1 variant allele.